The following is an entry in ClinVar:

ClinVar aggregate classification (germline): Likely benign. Review status: criteria provided, multiple submitters, no conflicts (2 of 4 stars). 2 submissions from 2 submitters: Likely benign (2). Last evaluated 2024-09-16.

Allele frequency attached by ClinVar (database versions not stated): ExAC 0.00016; ESP Exome Variant Server 0.00016; 1000 Genomes Project 0.00020; gnomAD 0.00043; TOPMed 0.00053; 1000 Genomes Project 30x 0.00016.
gnomAD v4.1: 277 of 1,613,808 alleles (0.017%); highest among the groups gnomAD compares: Middle Eastern, 0.31%; 3 homozygotes.

Submissions (2):

Blueprint Genetics
Classification: Likely benign. Last evaluated: 2024-09-16. Review status: criteria provided, single submitter. Criteria: ACMG Guidelines, 2015. Collection method: clinical testing. Allele origin: germline.

CeGaT Center for Human Genetics Tuebingen
Classification: Likely benign. Last evaluated: 2022-05-01. Review status: criteria provided, single submitter. Criteria: CeGaT Center For Human Genetics Tuebingen Variant Classification Criteria Version 2. Collection method: clinical testing. Allele origin: germline. Affected: yes. Observed: 1 variant allele.
Comment: RIMS2: BP4, BP7

NM_001348484.3(RIMS2):c.4162C>T (p.Leu1388=)

Genes: RIMS2 (regulating synaptic membrane exocytosis 2; plus strand), LOC130000948 (ATAC-STARR-seq lymphoblastoid active region 27792; plus strand). Cytogenetic location: 8q22.3.
Variant type: single nucleotide variant.
Coding change: c.4162C>T on transcript NM_001348484.3 (MANE Select); coding-DNA position 4162, C replaced by T.
Protein change: p.Leu1388=; no amino-acid change (leucine 1388 retained).
Molecular consequence: synonymous variant. On other transcripts: non-coding transcript variant (2).
Genome position (GRCh38, 1-based): chr8:104,244,969, C>T. VCF-style: chr8-104244969-C-T. GRCh37 (hg19) VCF-style: chr8-105257197-C-T.
Other names: c.3388C>T, p.Leu1130= (NM_001100117.3); c.2905C>T, p.Leu969= (NM_001282881.2); c.196C>T, p.Leu66= (NM_001282882.2); c.3160C>T, p.Leu1054= (NM_001348485.2); c.3559C>T, p.Leu1187= (NM_001348486.2); c.3418C>T, p.Leu1140= (NM_001348487.2); c.3472C>T, p.Leu1158= (NM_001348488.2); c.3988C>T, p.Leu1330= (NM_001348489.2); and 23 more.
Identifiers: ClinVar variation 2658738 (VCV002658738.25), dbSNP rs182290714, ClinGen allele CA4837686.